The following is an entry in ClinVar:

NM_001005242.3(PKP2):c.87C>G (p.Ser29Arg)

Gene: PKP2 (plakophilin 2; minus strand). Cytogenetic location: 12p11.21.
Variant type: single nucleotide variant.
Coding change: c.87C>G on transcript NM_001005242.3 (MANE Select); coding-DNA position 87, C replaced by G.
Protein change: p.Ser29Arg; replaces serine 29 with arginine.
Molecular consequence: missense variant. On other transcripts: 5 prime UTR variant (4).
Genome position (GRCh38, 1-based): chr12:32,896,645, G>C on the plus strand (C>G on the coding strand, the complement: PKP2 is on the minus strand). VCF-style: chr12-32896645-G-C. GRCh37 (hg19) VCF-style: chr12-33049579-G-C.
Other names: c.87C>G, p.Ser29Arg (NM_001407155.1, NM_001407156.1, NM_001407157.1 and 2 more transcripts); c.-740C>G (NM_001407158.1, NM_001407162.1); c.-504C>G (NM_001407159.1, NM_001407160.1); short protein forms S29R.
Identifiers: ClinVar variation 3419523 (VCV003419523.1).
Genomic context (GRCh38, chr12:32,896,645, plus strand): 5'-CTGGCCGCCGCGGCCGCTGCTCCCCGCCAGCTTCAGCTTGGCCTCGGAGGGCAGCGCCAG[G>C]CTGGAGCTGTCCAGTTGTCCCAGGATCTGCTGGCCCAGGACGGTCCGGATGTAGCCGTAC-3'
Protein context (NP_001005242.2, residues 19-39): QQILGQLDSS[Ser29Arg]LALPSEAKLK

ClinVar aggregate classification (germline): Uncertain significance (1 of 4 stars; one submission).

Conditions:
Cardiovascular phenotype. Identifiers: MedGen CN230736.

Submission:

Ambry Genetics
Classification: Uncertain significance for Cardiovascular phenotype. Last evaluated: 2024-10-14. Review status: criteria provided, single submitter. Criteria: Ambry Variant Classification Scheme 2023. Collection method: clinical testing. Allele origin: germline.
Comment: The p.S29R variant (also known as c.87C>G), located in coding exon 1 of the PKP2 gene, results from a C to G substitution at nucleotide position 87. The serine at codon 29 is replaced by arginine, an amino acid with dissimilar properties. This amino acid position is conserved. In addition, the in silico prediction for this alteration is inconclusive. Based on the available evidence, the clinical significance of this variant remains unclear.